The following is an entry in ClinVar:

ClinVar aggregate classification (germline): Uncertain significance (1 of 4 stars; one submission).

Allele frequency attached by ClinVar (database versions not stated): gnomAD 0.00001.
gnomAD v4.1: 3 of 1,613,832 alleles (0.00019%); highest among the groups gnomAD compares: Non-Finnish European, 0.00025%; no homozygotes.

Submission:

Labcorp Genetics (formerly Invitae), Labcorp
Classification: Uncertain significance. Last evaluated: 2024-01-13. Review status: criteria provided, single submitter. Criteria: Invitae Variant Classification Sherloc (09022015). Collection method: clinical testing. Allele origin: germline.
Comment: This sequence change replaces tyrosine, which is neutral and polar, with histidine, which is basic and polar, at codon 2730 of the PIEZO2 protein (p.Tyr2730His). This variant is not present in population databases (gnomAD no frequency). This variant has not been reported in the literature in individuals affected with PIEZO2-related conditions. Advanced modeling of protein sequence and biophysical properties (such as structural, functional, and spatial information, amino acid conservation, physicochemical variation, residue mobility, and thermodynamic stability) performed at Invitae indicates that this missense variant is expected to disrupt PIEZO2 protein function with a positive predictive value of 80%. In summary, the available evidence is currently insufficient to determine the role of this variant in disease. Therefore, it has been classified as a Variant of Uncertain Significance.

NM_001378183.1(PIEZO2):c.8527T>C (p.Tyr2843His)

Gene: PIEZO2 (piezo type mechanosensitive ion channel component 2; minus strand). Cytogenetic location: 18p11.22.
Variant type: single nucleotide variant.
Coding change: c.8527T>C on transcript NM_001378183.1 (MANE Select); coding-DNA position 8527, T replaced by C.
Protein change: p.Tyr2843His; replaces tyrosine 2843 with histidine.
Molecular consequence: missense variant.
Genome position (GRCh38, 1-based): chr18:10,671,598, A>G on the plus strand (T>C on the coding strand, the complement: PIEZO2 is on the minus strand). VCF-style: chr18-10671598-A-G. GRCh37 (hg19) VCF-style: chr18-10671595-A-G.
Other names: c.8263T>C, p.Tyr2755His (NM_001410871.1); c.8188T>C, p.Tyr2730His (NM_022068.4); short protein forms Y2755H, Y2730H, Y2843H.
Identifiers: ClinVar variation 2968824 (VCV002968824.2), dbSNP rs1001797643, ClinGen allele CA295978534.